The following is an entry in ClinVar:

ClinVar aggregate classification (germline): Uncertain significance (1 of 4 stars; one submission).

Submission:

Labcorp Genetics (formerly Invitae), Labcorp
Classification: Uncertain significance. Last evaluated: 2025-06-15. Review status: criteria provided, single submitter. Criteria: Invitae Variant Classification Sherloc (09022015). Collection method: clinical testing. Allele origin: germline.
Comment: This sequence change replaces valine, which is neutral and non-polar, with isoleucine, which is neutral and non-polar, at codon 232 of the INTU protein (p.Val232Ile). This variant is not present in population databases (gnomAD no frequency). This variant has not been reported in the literature in individuals affected with INTU-related conditions. Invitae Evidence Modeling of protein sequence and biophysical properties (such as structural, functional, and spatial information, amino acid conservation, physicochemical variation, residue mobility, and thermodynamic stability) indicates that this missense variant is not expected to disrupt INTU protein function with a negative predictive value of 80%. In summary, the available evidence is currently insufficient to determine the role of this variant in disease. Therefore, it has been classified as a Variant of Uncertain Significance.

NM_015693.4(INTU):c.694G>A (p.Val232Ile)

Gene: INTU (inturned planar cell polarity protein; plus strand). Cytogenetic location: 4q28.1.
Variant type: single nucleotide variant.
Coding change: c.694G>A on transcript NM_015693.4 (MANE Select); coding-DNA position 694, G replaced by A.
Protein change: p.Val232Ile; replaces valine 232 with isoleucine.
Molecular consequence: missense variant.
Genome position (GRCh38, 1-based): chr4:127,656,647, G>A. VCF-style: chr4-127656647-G-A. GRCh37 (hg19) VCF-style: chr4-128577802-G-A.
Other names: short protein forms V232I.
Identifiers: ClinVar variation 4772272 (VCV004772272.1).